The following is an entry in ClinVar:

NM_001048174.2(MUTYH):c.1426A>T (p.Thr476Ser)

Gene: MUTYH (mutY DNA glycosylase; minus strand). Cytogenetic location: 1p34.1.
Variant type: single nucleotide variant.
Coding change: c.1426A>T on transcript NM_001048174.2 (MANE Select); coding-DNA position 1426, A replaced by T.
Protein change: p.Thr476Ser; replaces threonine 476 with serine.
Molecular consequence: missense variant. On other transcripts: non-coding transcript variant (7).
Genome position (GRCh38, 1-based): chr1:45,330,524, T>A on the plus strand (A>T on the coding strand, the complement: MUTYH is on the minus strand). VCF-style: chr1-45330524-T-A. GRCh37 (hg19) VCF-style: chr1-45796196-T-A.
Other names: c.1468A>T, p.Thr490Ser (NM_001407085.1, NM_001407083.1); c.1429A>T, p.Thr477Ser (NM_001407086.1, NM_001048172.2, NM_001407071.1 and 1 more transcripts); c.1447A>T, p.Thr483Ser (NM_001407087.1); c.1426A>T, p.Thr476Ser (NM_001407088.1, NM_001407089.1, NM_001293195.2 and 6 more transcripts); c.1471A>T, p.Thr491Ser (NM_001293190.2); c.1459A>T, p.Thr487Ser (NM_001293191.2, NM_001407069.1, NM_001407077.1); c.1150A>T, p.Thr384Ser (NM_001407091.1, NM_001293192.2, NM_001293196.2); c.1501A>T, p.Thr501Ser (NM_012222.3); and 5 more; short protein forms T384S, T476S, T483S, T487S, T361S, T448S, T477S, T491S.
Identifiers: ClinVar variation 4113303 (VCV004113303.1).

ClinVar aggregate classification (germline): Uncertain significance (1 of 4 stars; one submission).

Conditions:
Hereditary cancer-predisposing syndrome. Also called: Tumor predisposition; Neoplastic Syndromes, Hereditary; Hereditary neoplastic syndrome; Hereditary Cancer Syndrome. Identifiers: Orphanet 140162, MedGen C0027672, MeSH D009386, MONDO:0015356.

Submission:

Ambry Genetics
Classification: Uncertain significance for Hereditary cancer-predisposing syndrome. Last evaluated: 2025-08-27. Review status: criteria provided, single submitter. Criteria: Ambry Variant Classification Scheme 2023. Collection method: clinical testing. Allele origin: germline.
Comment: The p.T504S variant (also known as c.1510A>T), located in coding exon 15 of the MUTYH gene, results from an A to T substitution at nucleotide position 1510. The threonine at codon 504 is replaced by serine, an amino acid with similar properties. This amino acid position is conserved. In addition, this alteration is predicted to be tolerated by in silico analysis. Based on the available evidence, the clinical significance of this variant remains unclear.